The following is an entry in ClinVar:

NM_001165963.4(SCN1A):c.3538T>G (p.Cys1180Gly)

Genes: SCN1A (sodium voltage-gated channel alpha subunit 1; minus strand), LOC102724058 (uncharacterized LOC102724058; plus strand). Cytogenetic location: 2q24.3.
Variant type: single nucleotide variant.
Coding change: c.3538T>G on transcript NM_001165963.4 (MANE Select); coding-DNA position 3538, T replaced by G.
Protein change: p.Cys1180Gly; replaces cysteine 1180 with glycine.
Molecular consequence: missense variant. On other transcripts: non-coding transcript variant (2).
Genome position (GRCh38, 1-based): chr2:166,015,619, A>C on the plus strand (T>G on the coding strand, the complement: SCN1A is on the minus strand). VCF-style: chr2-166015619-A-C. GRCh37 (hg19) VCF-style: chr2-166872129-A-C.
Other names: c.3538T>G (NM_001165963.1); c.3454T>G, p.Cys1152Gly (NM_001165964.3, NM_001353957.2, NM_001353958.2); c.3538T>G, p.Cys1180Gly (NM_001202435.3, NM_001353948.2); c.3505T>G, p.Cys1169Gly (NM_001353949.2, NM_001353950.2, NM_001353951.2 and 2 more transcripts); c.3502T>G, p.Cys1168Gly (NM_001353954.2, NM_001353955.2); c.3451T>G, p.Cys1151Gly (NM_001353960.2); c.1096T>G, p.Cys366Gly (NM_001353961.2); short protein forms C1151G, C1152G, C1169G, C1168G, C1180G, C366G.
Identifiers: ClinVar variation 808861 (VCV000808861.43), dbSNP rs1574069096, ClinGen allele CA349056590.
Genomic context (GRCh38, chr2:166,015,619, plus strand): 5'-CAAGCTGCACTCCAAATGAAAGATTAACATTAGGATTCTTTTCTTTACCTTCAGTGAAAC[A>C]AGCTTCTGGTTCAAGAGTTTCTTCAGGTTCCACTACGGGCTGTTCTTCTACAGGTGCGCC-3'
Protein context (NP_001159435.1, residues 1170-1190): EPEETLEPEA[Cys1180Gly]FTEGCVQRFK

ClinVar aggregate classification (germline): Uncertain significance. Review status: criteria provided, multiple submitters, no conflicts (2 of 4 stars). 2 submissions from 2 submitters: Uncertain significance (2). Last evaluated 2025-05-27.

Submissions (2):

GeneDx
Classification: Uncertain significance. Last evaluated: 2025-05-27. Review status: criteria provided, single submitter. Criteria: GeneDx Variant Classification Process June 2021. Collection method: clinical testing. Allele origin: germline. Affected: yes.
Comment: Not observed at significant frequency in large population cohorts (gnomAD); In silico analysis supports that this missense variant has a deleterious effect on protein structure/function; Has not been previously published as pathogenic or benign to our knowledge; This substitution is predicted to be within the cytoplasmic loop between the second and third homologous domains

CeGaT Center for Human Genetics Tuebingen
Classification: Uncertain significance. Last evaluated: 2018-04-01. Review status: criteria provided, single submitter. Criteria: CeGaT Center For Human Genetics Tuebingen Variant Classification Criteria Version 2. Collection method: clinical testing. Allele origin: germline. Affected: yes. Observed: 1 variant allele.